The following is an entry in ClinVar:

NM_000093.5(COL5A1):c.3361G>C (p.Ala1121Pro)

Gene: COL5A1 (collagen type V alpha 1 chain; plus strand). Cytogenetic location: 9q34.3.
Variant type: single nucleotide variant.
Coding change: c.3361G>C on transcript NM_000093.5 (MANE Select); coding-DNA position 3361, G replaced by C.
Protein change: p.Ala1121Pro; replaces alanine 1121 with proline.
Molecular consequence: missense variant.
Genome position (GRCh38, 1-based): chr9:134,806,291, G>C. VCF-style: chr9-134806291-G-C. GRCh37 (hg19) VCF-style: chr9-137698137-G-C.
Other names: p.A1121P:GCT>CCT; c.3361G>C (NM_000093.4); c.3361G>C, p.Ala1121Pro (NM_001278074.1); short protein forms A1121P.
Identifiers: ClinVar variation 212963 (VCV000212963.16), dbSNP rs863223449, ClinGen allele CA323594.

ClinVar aggregate classification (germline): Uncertain significance. Review status: criteria provided, multiple submitters, no conflicts (2 of 4 stars). 4 submissions from 4 submitters: Uncertain significance (3). 1 of the submissions does not count toward it. Last evaluated 2026-01-07.

Conditions:
Ehlers-Danlos syndrome, classic type, 1 (EDSCL1). Also called: Ehlers-Danlos Syndrome, Classic Type, COL5A1-Related; EHLERS-DANLOS SYNDROME, GRAVIS TYPE; EHLERS-DANLOS SYNDROME, SEVERE CLASSIC TYPE; Ehlers-Danlos syndrome, type 1; EDS I. Identifiers: MedGen C0268335, MONDO:0019567, OMIM 130000.
COL5A1-related disorder. Also called: COL5A1-related condition.
Familial thoracic aortic aneurysm and aortic dissection (TAAD). Also called: Thoracic aortic aneurysms and dissections. Identifiers: Orphanet 91387, MedGen C4707243, MONDO:0019625.

Allele frequency attached by ClinVar (database versions not stated): gnomAD 0.00001; TOPMed 0.00001.
gnomAD v4.1: 11 of 1,546,008 alleles (0.00071%); highest among the groups gnomAD compares: Non-Finnish European, 0.00096%; no homozygotes.

Submissions (4):

GeneDx
Classification: Uncertain significance. Last evaluated: 2026-01-07. Review status: criteria provided, single submitter. Criteria: GeneDx Variant Classification Process June 2021. Collection method: clinical testing. Allele origin: germline. Affected: yes.
Comment: Has not been previously published as pathogenic or benign to our knowledge; Not observed at significant frequency in large population cohorts (gnomAD); In silico analysis suggests that this missense variant does not alter protein structure/function; Occurs in the triple helical domain at the X position in the canonical Gly-X-Y repeat; although this variant may have an effect on normal protein folding and function, missense substitution at the X position is not a common mechanism of disease (PMID: 22696272; HGMD); This variant is associated with the following publications: (PMID: 22696272)

Labcorp Genetics (formerly Invitae), Labcorp
Classification: Uncertain significance for Ehlers-Danlos syndrome, classic type, 1. Last evaluated: 2026-01-05. Review status: criteria provided, single submitter. Criteria: Invitae Variant Classification Sherloc (09022015). Collection method: clinical testing. Allele origin: germline.
Comment: This sequence change replaces alanine, which is neutral and non-polar, with proline, which is neutral and non-polar, at codon 1121 of the COL5A1 protein (p.Ala1121Pro). This variant is not present in population databases (gnomAD no frequency). This variant has not been reported in the literature in individuals affected with COL5A1-related conditions. ClinVar contains an entry for this variant (Variation ID: 212963). Invitae Evidence Modeling of protein sequence and biophysical properties (such as structural, functional, and spatial information, amino acid conservation, physicochemical variation, residue mobility, and thermodynamic stability) indicates that this missense variant is not expected to disrupt COL5A1 protein function with a negative predictive value of 95%. In summary, the available evidence is currently insufficient to determine the role of this variant in disease. Therefore, it has been classified as a Variant of Uncertain Significance.

Ambry Genetics
Classification: Uncertain significance for Familial thoracic aortic aneurysm and aortic dissection. Last evaluated: 2018-03-02. Review status: criteria provided, single submitter. Criteria: Ambry Variant Classification Scheme 2023. Collection method: clinical testing. Allele origin: germline.
Comment: The p.A1121P variant (also known as c.3361G>C), located in coding exon 42 of the COL5A1 gene, results from a G to C substitution at nucleotide position 3361. The alanine at codon 1121 is replaced by proline, an amino acid with highly similar properties. This amino acid position is not well conserved in available vertebrate species. In addition, this alteration is predicted to be tolerated by in silico analysis. Since supporting evidence is limited at this time, the clinical significance of this alteration remains unclear.

PreventionGenetics, part of Exact Sciences
Classification: Uncertain significance for COL5A1-related condition. Last evaluated: 2024-07-12. Review status: no assertion criteria provided. Collection method: clinical testing. Allele origin: germline. Not counted in ClinVar's aggregate classification.
Comment: The COL5A1 c.3361G>C variant is predicted to result in the amino acid substitution p.Ala1121Pro. To our knowledge, this variant has not been reported in the literature or in a large population database, indicating this variant is rare. At this time, the clinical significance of this variant is uncertain due to the absence of conclusive functional and genetic evidence.